The following is an entry in ClinVar:

NM_000059.4(BRCA2):c.-40G>C

Genes: BRCA2 (BRCA2 DNA repair associated; plus strand), LOC106721785 (BRCA2 promoter/silencer region; plus strand). Cytogenetic location: 13q13.1.
Variant type: single nucleotide variant.
Coding change: c.-40G>C on transcript NM_000059.4 (MANE Select); 40 bases upstream of the start codon, G replaced by C.
Molecular consequence: 5 prime UTR variant.
Genome position (GRCh38, 1-based): chr13:32,315,667, G>C. VCF-style: chr13-32315667-G-C. GRCh37 (hg19) VCF-style: chr13-32889804-G-C.
Identifiers: ClinVar variation 491197 (VCV000491197.11), dbSNP rs1555279967, ClinGen allele CA658683799.

ClinVar aggregate classification (germline): Uncertain significance. Review status: criteria provided, multiple submitters, no conflicts (2 of 4 stars). 2 submissions from 2 submitters: Uncertain significance (2). Last evaluated 2024-11-03.

Conditions:
Hereditary breast ovarian cancer syndrome. Also called: Breast and ovarian cancer; Hereditary breast and/or ovarian cancer syndrome; Hereditary breast and ovarian cancer; Hereditary breast and ovarian cancer syndrome (HBOC); BRCA1- and BRCA2-Associated Hereditary Breast and Ovarian Cancer; Hereditary breast and ovarian cancer syndrome. Identifiers: Orphanet 145, MedGen C0677776, MeSH D061325, MONDO:0003582. Disease mechanism: loss of function.
Hereditary cancer-predisposing syndrome. Also called: Hereditary Cancer Syndrome; Neoplastic Syndromes, Hereditary; Tumor predisposition; Hereditary neoplastic syndrome. Identifiers: Orphanet 140162, MedGen C0027672, MeSH D009386, MONDO:0015356.

Allele frequency attached by ClinVar (database versions not stated): TOPMed below 0.00001.

Submissions (2):

Labcorp Genetics (formerly Invitae), Labcorp
Classification: Uncertain significance for Hereditary breast ovarian cancer syndrome. Last evaluated: 2024-11-03. Review status: criteria provided, single submitter. Criteria: Invitae Variant Classification Sherloc (09022015). Collection method: clinical testing. Allele origin: germline.
Comment: This variant occurs in a non-coding region of the BRCA2 gene. It does not change the encoded amino acid sequence of the BRCA2 protein. This variant is not present in population databases (gnomAD no frequency). This variant has not been reported in the literature in individuals affected with BRCA2-related conditions. ClinVar contains an entry for this variant (Variation ID: 491197). Algorithms developed to predict the effect of sequence changes on RNA splicing suggest that this variant may disrupt the consensus splice site. In summary, the available evidence is currently insufficient to determine the role of this variant in disease. Therefore, it has been classified as a Variant of Uncertain Significance.

Color Diagnostics, LLC DBA Color Health
Classification: Uncertain significance for Hereditary cancer-predisposing syndrome. Last evaluated: 2019-02-28. Review status: criteria provided, single submitter. Criteria: ACMG Guidelines, 2015. Collection method: clinical testing. Allele origin: germline.